The following is an entry in ClinVar:

ClinVar aggregate classification (germline): Uncertain significance. Review status: criteria provided, multiple submitters, no conflicts (2 of 4 stars). 7 submissions from 7 submitters: Uncertain significance (7). Last evaluated 2024-09-10.

Conditions:
Cardiovascular phenotype. Identifiers: MedGen CN230736.
Myopathy, myofibrillar, 9, with early respiratory failure (MFM9). Also called: EDSTROM MYOPATHY; MYOPATHY, PROXIMAL, WITH EARLY RESPIRATORY MUSCLE INVOLVEMENT; Hereditary myopathy with early respiratory failure; Myopathy, distal, with early respiratory failure, autosomal dominant. Identifiers: Orphanet 178464, Orphanet 34521, MedGen C1863599, MONDO:0011362, OMIM 603689.

Allele frequency attached by ClinVar (database versions not stated): ExAC 0.00005; TOPMed 0.00005; gnomAD 0.00007 and 0.00008; gnomAD exomes 0.00008 and 0.00011.
gnomAD v4.1: 170 of 1,613,404 alleles (0.011%); highest among the groups gnomAD compares: Non-Finnish European, 0.012%; no homozygotes.

Submissions (7):

Revvity Omics, Revvity
Classification: Uncertain significance. Last evaluated: 2024-09-10. Review status: criteria provided, single submitter. Criteria: ACMG Guidelines, 2015. Collection method: clinical testing. Allele origin: germline.

Women's Health and Genetics/Laboratory Corporation of America, LabCorp
Classification: Uncertain significance. Last evaluated: 2024-01-03. Review status: criteria provided, single submitter. Criteria: LabCorp Variant Classification Summary - May 2015. Collection method: clinical testing. Allele origin: germline.
Comment: Variant summary: TTN c.64240A>G (p.Asn21414Asp) results in a conservative amino acid change located in the A band region of the encoded protein sequence. Three of four in-silico tools predict a benign effect of the variant on protein function. The variant allele was found at a frequency of 8.5e-05 in 247984 control chromosomes (gnomAD). This frequency is not significantly higher than estimated for a pathogenic variant in TTN causing Limb-Girdle Muscular Dystrophy, Type 2J (8.5e-05 vs ND), allowing no conclusion about variant significance. To our knowledge, no occurrence of c.64240A>G in individuals affected with Limb-Girdle Muscular Dystrophy, Type 2J and no experimental evidence demonstrating its impact on protein function have been reported. Four submitters have cited clinical-significance assessments for this variant to ClinVar after 2014. All submitters classified the variant as uncertain significance. Based on the evidence outlined above, the variant was classified as uncertain significance.

Baylor Genetics
Classification: Uncertain significance for Myopathy, myofibrillar, 9, with early respiratory failure. Last evaluated: 2020-11-05. Review status: criteria provided, single submitter. Criteria: ACMG Guidelines, 2015. Collection method: clinical testing. Allele origin: unknown. Affected: yes.
Comment: This variant was determined to be of uncertain significance according to ACMG Guidelines, 2015 [PMID:25741868].

CeGaT Center for Human Genetics Tuebingen
Classification: Uncertain significance. Last evaluated: 2019-06-01. Review status: criteria provided, single submitter. Criteria: CeGaT Center For Human Genetics Tuebingen Variant Classification Criteria Version 2. Collection method: clinical testing. Allele origin: germline. Affected: yes. Observed: 1 variant allele.

Eurofins Ntd Llc (ga)
Classification: Uncertain significance. Last evaluated: 2016-09-22. Review status: criteria provided, single submitter. Criteria: EGL Classification Definitions 2015. Collection method: clinical testing. Allele origin: germline. Observed: 5 variant alleles, 5 heterozygotes.

Biesecker Lab/Clinical Genomics Section, National Institutes of Health
Classification: Uncertain significance. Last evaluated: 2013-06-24. Review status: criteria provided, single submitter. Criteria: Ng et al. (Circ Cardiovasc Genet. 2013). Collection method: research. Allele origin: unknown. Observed: 1 variant allele. Study: ClinSeq.
Comment: The study set was not selected for affection status in relation to any cancer. Pathogenicity categories were based on literature curation. See Pubmed ID:23861362 for details.

Medical sequencing

Ambry Genetics
Classification: Uncertain significance for Cardiovascular phenotype. Last evaluated: 2013-03-06. Review status: criteria provided, single submitter. Criteria: Ambry Autosomal Dominant and X-Linked criteria (10/2015). Collection method: clinical testing. Allele origin: germline. Observed: 1 variant allele.
Comment: There is insufficient or conflicting evidence for classification of this alteration.

NM_001267550.2(TTN):c.71944A>G (p.Asn23982Asp)

Genes: TTN (titin; minus strand), TTN-AS1 (TTN antisense RNA 1; plus strand). Cytogenetic location: 2q31.2.
Variant type: single nucleotide variant.
Coding change: c.71944A>G on transcript NM_001267550.2 (MANE Select); coding-DNA position 71944, A replaced by G.
Protein change: p.Asn23982Asp; replaces asparagine 23982 with aspartic acid.
Molecular consequence: missense variant.
Genome position (GRCh38, 1-based): chr2:178,574,188, T>C on the plus strand (A>G on the coding strand, the complement: TTN is on the minus strand). VCF-style: chr2-178574188-T-C. GRCh37 (hg19) VCF-style: chr2-179438915-T-C.
Other names: c.67021A>G, p.Asn22341Asp (NM_001256850.1); c.44749A>G, p.Asn14917Asp (NM_003319.4); c.64240A>G, p.Asn21414Asp (NM_133378.4); c.45124A>G, p.Asn15042Asp (NM_133432.3); c.45325A>G, p.Asn15109Asp (NM_133437.4); short protein forms N21414D, N23982D, N14917D, N15109D, N15042D, N22341D.
Identifiers: ClinVar variation 191904 (VCV000191904.54), dbSNP rs199755820, ClinGen allele CA237830.